The following is an entry in ClinVar:

ClinVar aggregate classification (germline): Uncertain significance (1 of 4 stars; one submission).

Conditions:
Inborn genetic diseases. Identifiers: MedGen C0950123, MeSH D030342.

Submission:

Ambry Genetics
Classification: Uncertain significance for Inborn genetic diseases. Last evaluated: 2025-11-26. Review status: criteria provided, single submitter. Criteria: Ambry Variant Classification Scheme 2023. Collection method: clinical testing. Allele origin: germline.
Comment: The p.G79A variant (also known as c.236G>C), located in coding exon 1 of the KDM1A gene, results from a G to C substitution at nucleotide position 236. The glycine at codon 79 is replaced by alanine, an amino acid with similar properties. This amino acid position is conserved. In addition, this alteration is predicted to be tolerated by in silico analysis. Based on the available evidence, the clinical significance of this variant remains unclear.

NM_001009999.3(KDM1A):c.236G>C (p.Gly79Ala)

Gene: KDM1A (lysine demethylase 1A; plus strand). Cytogenetic location: 1p36.12.
Variant type: single nucleotide variant.
Coding change: c.236G>C on transcript NM_001009999.3 (MANE Select); coding-DNA position 236, G replaced by C.
Protein change: p.Gly79Ala; replaces glycine 79 with alanine.
Molecular consequence: missense variant.
Genome position (GRCh38, 1-based): chr1:23,019,832, G>C. VCF-style: chr1-23019832-G-C. GRCh37 (hg19) VCF-style: chr1-23346325-G-C.
Other names: c.236G>C, p.Gly79Ala (NM_001410762.1, NM_001410763.1, NM_015013.4 and 1 more transcripts); short protein forms G79A.
Identifiers: ClinVar variation 4622728 (VCV004622728.1).